The following is an entry in ClinVar:

ClinVar aggregate classification (germline): Uncertain significance (1 of 4 stars; one submission).

Conditions:
Hereditary cancer-predisposing syndrome. Also called: Tumor predisposition; Hereditary Cancer Syndrome; Hereditary neoplastic syndrome; Neoplastic Syndromes, Hereditary. Identifiers: Orphanet 140162, MedGen C0027672, MeSH D009386, MONDO:0015356.

Submission:

Ambry Genetics
Classification: Uncertain significance for Hereditary cancer-predisposing syndrome. Last evaluated: 2024-03-30. Review status: criteria provided, single submitter. Criteria: Ambry Variant Classification Scheme 2023. Collection method: clinical testing. Allele origin: germline.
Comment: The p.K417Q variant (also known as c.1249A>C), located in coding exon 8 of the CTNNA1 gene, results from an A to C substitution at nucleotide position 1249. The lysine at codon 417 is replaced by glutamine, an amino acid with similar properties. This amino acid position is conserved. In addition, this alteration is predicted to be tolerated by in silico analysis. Based on the available evidence, the clinical significance of this alteration remains unclear.

NM_001903.5(CTNNA1):c.1249A>C (p.Lys417Gln)

Gene: CTNNA1 (catenin alpha 1; plus strand). Cytogenetic location: 5q31.2.
Variant type: single nucleotide variant.
Coding change: c.1249A>C on transcript NM_001903.5 (MANE Select); coding-DNA position 1249, A replaced by C.
Protein change: p.Lys417Gln; replaces lysine 417 with glutamine.
Molecular consequence: missense variant. On other transcripts: 5 prime UTR variant (5), intron variant (2).
Genome position (GRCh38, 1-based): chr5:138,887,595, A>C. VCF-style: chr5-138887595-A-C. GRCh37 (hg19) VCF-style: chr5-138223284-A-C.
Other names: c.1249A>C, p.Lys417Gln (NM_001290307.3, NM_001323982.2, NM_001323983.1 and 3 more transcripts); c.940A>C, p.Lys314Gln (NM_001290309.3); c.880A>C, p.Lys294Gln (NM_001290310.3); c.139A>C, p.Lys47Gln (NM_001290312.1, NM_001323997.1, NM_001323998.1 and 18 more transcripts); c.-259A>C (NM_001324006.1, NM_001324007.1, NM_001324008.1 and 1 more transcripts); c.-134A>C (NM_001324013.1); c.-58+11998A>C (NM_001324012.1); c.-61+11998A>C (NM_001324010.1); short protein forms K294Q, K47Q, K314Q, K417Q.
Identifiers: ClinVar variation 3270087 (VCV003270087.1).